The following is an entry in ClinVar:

ClinVar aggregate classification (germline): Uncertain significance (1 of 4 stars; one submission).

Conditions:
Hereditary breast ovarian cancer syndrome. Also called: Hereditary breast and ovarian cancer; Hereditary breast and/or ovarian cancer syndrome; Hereditary breast and ovarian cancer syndrome; Hereditary breast and ovarian cancer syndrome (HBOC); Breast and ovarian cancer; BRCA1- and BRCA2-Associated Hereditary Breast and Ovarian Cancer. Identifiers: Orphanet 145, MedGen C0677776, MeSH D061325, MONDO:0003582. Disease mechanism: loss of function.

Submission:

Labcorp Genetics (formerly Invitae), Labcorp
Classification: Uncertain significance for Hereditary breast ovarian cancer syndrome. Last evaluated: 2021-09-01. Review status: criteria provided, single submitter. Criteria: Invitae Variant Classification Sherloc (09022015). Collection method: clinical testing. Allele origin: germline.
Comment: In summary, the available evidence is currently insufficient to determine the role of this variant in disease. Therefore, it has been classified as a Variant of Uncertain Significance. Advanced modeling of protein sequence and biophysical properties (such as structural, functional, and spatial information, amino acid conservation, physicochemical variation, residue mobility, and thermodynamic stability) performed at Invitae indicates that this missense variant is not expected to disrupt BRCA2 protein function. This variant has not been reported in the literature in individuals affected with BRCA2-related conditions. This variant is not present in population databases (ExAC no frequency). This sequence change replaces alanine with aspartic acid at codon 2387 of the BRCA2 protein (p.Ala2387Asp). The alanine residue is weakly conserved and there is a moderate physicochemical difference between alanine and aspartic acid.

NM_000059.4(BRCA2):c.7160C>A (p.Ala2387Asp)

Gene: BRCA2 (BRCA2 DNA repair associated; plus strand). Cytogenetic location: 13q13.1.
Variant type: single nucleotide variant.
Coding change: c.7160C>A on transcript NM_000059.4 (MANE Select); coding-DNA position 7160, C replaced by A.
Protein change: p.Ala2387Asp; replaces alanine 2387 with aspartic acid.
Molecular consequence: missense variant.
Genome position (GRCh38, 1-based): chr13:32,355,013, C>A. VCF-style: chr13-32355013-C-A. GRCh37 (hg19) VCF-style: chr13-32929150-C-A.
Other names: short protein forms A2387D.
Identifiers: ClinVar variation 1379148 (VCV001379148.6), dbSNP rs587778126, ClinGen allele CA387739307.